The following is an entry in ClinVar:

ClinVar aggregate classification (germline): Uncertain significance. Review status: criteria provided, multiple submitters, no conflicts (2 of 4 stars). 2 submissions from 2 submitters: Uncertain significance (2). Last evaluated 2026-06-24.

Submissions (2):

Women's Health and Genetics/Laboratory Corporation of America, LabCorp
Classification: Uncertain significance. Last evaluated: 2026-06-24. Review status: criteria provided, single submitter. Criteria: LabCorp Variant Classification Summary - May 2015. Collection method: clinical testing. Allele origin: germline.
Comment: Variant summary: PIK3R2 c.652C>T (p.Arg218Cys) results in a non-conservative amino acid change in the encoded protein sequence. Algorithms developed to predict the effect of missense changes on protein structure and function are either unavailable or do not agree on the potential impact of this missense change. The frequency data for this variant in gnomAD is considered unreliable, as metrics indicate poor data quality at this position. To our knowledge, no occurrence of c.652C>T in individuals affected with PIK3R2-related conditions and no experimental evidence demonstrating its impact on protein function have been reported. ClinVar contains an entry for this variant (Variation ID: 3898458). Based on the evidence outlined above, the variant was classified as uncertain significance.

CeGaT Center for Human Genetics Tuebingen
Classification: Uncertain significance. Last evaluated: 2025-04-01. Review status: criteria provided, single submitter. Criteria: CeGaT Center For Human Genetics Tuebingen Variant Classification Criteria Version 2. Collection method: clinical testing. Allele origin: germline. Affected: yes. Observed: 1 variant allele.

NM_005027.4(PIK3R2):c.652C>T (p.Arg218Cys)

Genes: PIK3R2 (phosphoinositide-3-kinase regulatory subunit 2; plus strand), LOC130063979 (ATAC-STARR-seq lymphoblastoid silent region 10375; plus strand). Cytogenetic location: 19p13.11.
Variant type: single nucleotide variant.
Coding change: c.652C>T on transcript NM_005027.4 (MANE Select); coding-DNA position 652, C replaced by T.
Protein change: p.Arg218Cys; replaces arginine 218 with cysteine.
Molecular consequence: missense variant. On other transcripts: non-coding transcript variant (1).
Genome position (GRCh38, 1-based): chr19:18,161,332, C>T. VCF-style: chr19-18161332-C-T. GRCh37 (hg19) VCF-style: chr19-18272142-C-T.
Other names: short protein forms R218C.
Identifiers: ClinVar variation 3898458 (VCV003898458.8).